The following is an entry in ClinVar:

NM_020297.4(ABCC9):c.3415C>G (p.Leu1139Val)

Gene: ABCC9 (ATP binding cassette subfamily C member 9; minus strand). Cytogenetic location: 12p12.1.
Variant type: single nucleotide variant.
Coding change: c.3415C>G on transcript NM_020297.4 (MANE Select); coding-DNA position 3415, C replaced by G.
Protein change: p.Leu1139Val; replaces leucine 1139 with valine.
Molecular consequence: missense variant.
Genome position (GRCh38, 1-based): chr12:21,842,372, G>C on the plus strand (C>G on the coding strand, the complement: ABCC9 is on the minus strand). VCF-style: chr12-21842372-G-C. GRCh37 (hg19) VCF-style: chr12-21995306-G-C.
Other names: c.3415C>G, p.Leu1139Val (NM_001377273.1, NM_005691.4); c.2548C>G, p.Leu850Val (NM_001377274.1); short protein forms L850V, L1139V.
Identifiers: ClinVar variation 3014291 (VCV003014291.3), dbSNP rs2541055497, ClinGen allele CA384140859.

ClinVar aggregate classification (germline): Uncertain significance (1 of 4 stars; one submission).

Conditions:
Dilated cardiomyopathy 1O (CMD1O). Also called: CARDIOMYOPATHY, DILATED, WITH VENTRICULAR TACHYCARDIA. Identifiers: Orphanet 154, MedGen C1837839, MONDO:0012062, OMIM 608569.

Submission:

Labcorp Genetics (formerly Invitae), Labcorp
Classification: Uncertain significance for Dilated cardiomyopathy 1O. Last evaluated: 2023-02-16. Review status: criteria provided, single submitter. Criteria: Invitae Variant Classification Sherloc (09022015). Collection method: clinical testing. Allele origin: germline.
Comment: This sequence change replaces leucine, which is neutral and non-polar, with valine, which is neutral and non-polar, at codon 1139 of the ABCC9 protein (p.Leu1139Val). This variant is not present in population databases (gnomAD no frequency). This variant has not been reported in the literature in individuals affected with ABCC9-related conditions. Advanced modeling of protein sequence and biophysical properties (such as structural, functional, and spatial information, amino acid conservation, physicochemical variation, residue mobility, and thermodynamic stability) has been performed at Invitae for this missense variant, however the output from this modeling did not meet the statistical confidence thresholds required to predict the impact of this variant on ABCC9 protein function. In summary, the available evidence is currently insufficient to determine the role of this variant in disease. Therefore, it has been classified as a Variant of Uncertain Significance.